The following is an entry in ClinVar:

ClinVar aggregate classification (germline): Conflicting classifications of pathogenicity. Review status: criteria provided, conflicting classifications (1 of 4 stars). 3 submissions from 3 submitters: Likely pathogenic (1); Uncertain significance (2). Last evaluated 2025-12-18.

Conditions:
Hereditary cancer-predisposing syndrome. Also called: Hereditary Cancer Syndrome; Hereditary neoplastic syndrome; Neoplastic Syndromes, Hereditary; Tumor predisposition. Identifiers: Orphanet 140162, MedGen C0027672, MeSH D009386, MONDO:0015356.
BAP1-related tumor predisposition syndrome (TPDS1). Also called: COMMON Syndrome; TUMOR PREDISPOSITION SYNDROME 1; BAP1 tumor predisposition syndrome; Tumor susceptibility linked to germline BAP1 mutations. Identifiers: Orphanet 289539, MedGen C3280492, MONDO:0013692, OMIM 614327.
BAP1-related disorder. Also called: BAP1-related condition.

Submissions (3):

Ambry Genetics
Classification: Uncertain significance for Hereditary cancer-predisposing syndrome. Last evaluated: 2025-12-18. Review status: criteria provided, single submitter. Criteria: Ambry Variant Classification Scheme 2023. Collection method: clinical testing. Allele origin: germline.
Comment: The p.Y33C variant (also known as c.98A>G), located in coding exon 3 of the BAP1 gene, results from an A to G substitution at nucleotide position 98. The tyrosine at codon 33 is replaced by cysteine, an amino acid with highly dissimilar properties. This amino acid position is highly conserved in available vertebrate species. In addition, this alteration is predicted to be deleterious by in silico analysis. Based on the available evidence, the clinical significance of this variant remains unclear.

Labcorp Genetics (formerly Invitae), Labcorp
Classification: Uncertain significance for BAP1-related tumor predisposition syndrome. Last evaluated: 2025-05-21. Review status: criteria provided, single submitter. Criteria: Invitae Variant Classification Sherloc (09022015). Collection method: clinical testing. Allele origin: germline.
Comment: This sequence change replaces tyrosine, which is neutral and polar, with cysteine, which is neutral and slightly polar, at codon 33 of the BAP1 protein (p.Tyr33Cys). This variant is not present in population databases (gnomAD no frequency). This variant has not been reported in the literature in individuals affected with BAP1-related conditions. ClinVar contains an entry for this variant (Variation ID: 1768536). Invitae Evidence Modeling of protein sequence and biophysical properties (such as structural, functional, and spatial information, amino acid conservation, physicochemical variation, residue mobility, and thermodynamic stability) indicates that this missense variant is expected to disrupt BAP1 protein function with a positive predictive value of 80%. In summary, the available evidence is currently insufficient to determine the role of this variant in disease. Therefore, it has been classified as a Variant of Uncertain Significance.

Blueprint Genetics
Classification: Likely pathogenic for BAP1-related disorders. Last evaluated: 2024-09-21. Review status: criteria provided, single submitter. Criteria: ACMG Guidelines, 2015. Collection method: clinical testing. Allele origin: germline. Affected: yes. Observed: 1 variant allele.

Literature cited by the submitters: PubMed 38969833 (cited by Ambry Genetics).

NM_004656.4(BAP1):c.98A>G (p.Tyr33Cys)

Gene: BAP1 (BRCA1 associated deubiquitinase 1; minus strand). Cytogenetic location: 3p21.1.
Variant type: single nucleotide variant.
Coding change: c.98A>G on transcript NM_004656.4 (MANE Select); coding-DNA position 98, A replaced by G.
Protein change: p.Tyr33Cys; replaces tyrosine 33 with cysteine.
Molecular consequence: missense variant.
Genome position (GRCh38, 1-based): chr3:52,409,578, T>C on the plus strand (A>G on the coding strand, the complement: BAP1 is on the minus strand). VCF-style: chr3-52409578-T-C. GRCh37 (hg19) VCF-style: chr3-52443594-T-C.
Other names: c.98A>G, p.Tyr33Cys (NM_001410772.1); short protein forms Y33C.
Identifiers: ClinVar variation 1768536 (VCV001768536.7), dbSNP rs2153228531, ClinGen allele CA353114611.
Genomic context (GRCh38, chr3:52,409,578, plus strand): 5'-GGGTGTAAGGGGCAGCCCTGGTGTACAGCCACTCACCCCTGACATTTGCTCTGAAGGTCG[T>C]AGATCTCCTCCACTTGCACCCCCTTGACACCTGCGATGAGGAAAGGAAAGCAGTAGGGAA-3'
Protein context (NP_004647.1, residues 23-43): GVKGVQVEEI[Tyr33Cys]DLQSKCQGPV